The following is an entry in ClinVar:

ClinVar aggregate classification (germline): Uncertain significance (1 of 4 stars; one submission).

Submission:

GeneDx
Classification: Uncertain significance. Last evaluated: 2026-03-19. Review status: criteria provided, single submitter. Criteria: GeneDx Variant Classification Process June 2021. Collection method: clinical testing. Allele origin: germline.
Comment: Not observed at significant frequency in large population cohorts (gnomAD); In silico analysis supports that this missense variant has a deleterious effect on protein structure/function; Has not been previously published as pathogenic or benign to our knowledge

NM_032271.3(TRAF7):c.1064G>C (p.Arg355Pro)

Gene: TRAF7 (TNF receptor associated factor 7; plus strand). Cytogenetic location: 16p13.3.
Variant type: single nucleotide variant.
Coding change: c.1064G>C on transcript NM_032271.3 (MANE Select); coding-DNA position 1064, G replaced by C.
Protein change: p.Arg355Pro; replaces arginine 355 with proline.
Molecular consequence: missense variant.
Genome position (GRCh38, 1-based): chr16:2,173,532, G>C. VCF-style: chr16-2173532-G-C. GRCh37 (hg19) VCF-style: chr16-2223533-G-C.
Other names: short protein forms R355P.
Identifiers: ClinVar variation 5009494 (VCV005009494.1).